The following is an entry in ClinVar:

ClinVar aggregate classification (germline): Benign (0 of 4 stars; one submission).

Conditions:
TTC21A-related disorder. Also called: TTC21A-related condition.

Allele frequency attached by ClinVar (database versions not stated): gnomAD exomes 0.32998; ExAC 0.35752; 1000 Genomes Project 0.45567; gnomAD 0.45640; ESP Exome Variant Server 0.46624; 1000 Genomes Project 30x 0.46721; TOPMed 0.47526.
gnomAD v4.1: 543,368 of 1,585,048 alleles (34%); highest among the groups gnomAD compares: African/African-American, 79%; 104,051 homozygotes.

Submission:

PreventionGenetics, part of Exact Sciences
Classification: Benign for TTC21A-related condition. Last evaluated: 2019-10-30. Review status: no assertion criteria provided. Collection method: clinical testing. Allele origin: germline.
Comment: This variant is classified as benign based on ACMG/AMP sequence variant interpretation guidelines (Richards et al. 2015 PMID: 25741868, with internal and published modifications).

NM_001366900.1(TTC21A):c.845G>A (p.Arg282Lys)

Gene: TTC21A (tetratricopeptide repeat domain 21A; plus strand). Cytogenetic location: 3p22.2.
Variant type: single nucleotide variant.
Coding change: c.845G>A on transcript NM_001366900.1 (MANE Select); coding-DNA position 845, G replaced by A.
Protein change: p.Arg282Lys; replaces arginine 282 with lysine.
Molecular consequence: missense variant. On other transcripts: non-coding transcript variant (3).
Genome position (GRCh38, 1-based): chr3:39,119,965, G>A. VCF-style: chr3-39119965-G-A. GRCh37 (hg19) VCF-style: chr3-39161456-G-A.
Other names: c.722G>A, p.Arg241Lys (NM_001105513.3); c.869G>A, p.Arg290Lys (NM_001366899.1, NM_145755.3); short protein forms R241K, R282K, R290K.
Identifiers: ClinVar variation 3060288 (VCV003060288.2), dbSNP rs1274972, ClinGen allele CA2324199.
Genomic context (GRCh38, chr3:39,119,965, plus strand): 5'-CTGTTTTGTCCCTGCAGGCTACCAATCACGTTAGAAATCTGATTAAGGCACTAGAGACAA[G>A]GGAACCCGAAAATCCAAGCCTCCATCTTAAAAAAATTATTGTGGTTAGCCGACTGGTAAG-3'
Protein context (NP_001353829.1, residues 272-292): VRNLIKALET[Arg282Lys]EPENPSLHLK